The following is an entry in ClinVar:

ClinVar aggregate classification (germline): Uncertain significance. Review status: criteria provided, multiple submitters, no conflicts (2 of 4 stars). 2 submissions from 2 submitters: Uncertain significance (2). Last evaluated 2025-06-30.

Conditions:
Myofibrillar myopathy 5. Also called: Filaminopathy (type); FILAMINOPATHY, AUTOSOMAL DOMINANT. Identifiers: Orphanet 171445, MedGen C1836050, MONDO:0012289, OMIM 609524.
Hypertrophic cardiomyopathy 26. Also called: Cardiomyopathy, familial hypertrophic, 26. Identifiers: Orphanet 75249, MedGen C4310749, MONDO:0014883, OMIM 617047.
Distal myopathy with posterior leg and anterior hand involvement. Also called: WILLIAMS DISTAL MYOPATHY. Identifiers: Orphanet 63273, MedGen C3279722, MONDO:0013550, OMIM 614065.
Cardiovascular phenotype. Identifiers: MedGen CN230736.

Allele frequency attached by ClinVar (database versions not stated): gnomAD exomes below 0.00001.
gnomAD v4.1: 2 of 1,614,212 alleles (0.00012%); no homozygotes.

Submissions (2):

Ambry Genetics
Classification: Uncertain significance for Cardiovascular phenotype. Last evaluated: 2025-06-30. Review status: criteria provided, single submitter. Criteria: Ambry Variant Classification Scheme 2023. Collection method: clinical testing. Allele origin: germline.
Comment: The p.G2506S variant (also known as c.7516G>A), located in coding exon 45 of the FLNC gene, results from a G to A substitution at nucleotide position 7516. The glycine at codon 2506 is replaced by serine, an amino acid with similar properties. This amino acid position is conserved. In addition, this alteration is predicted to be tolerated by in silico analysis. Based on the available evidence, the clinical significance of this variant remains unclear.

Labcorp Genetics (formerly Invitae), Labcorp
Classification: Uncertain significance for Distal myopathy with posterior leg and anterior hand involvement; Myofibrillar myopathy 5; Hypertrophic cardiomyopathy 26. Last evaluated: 2022-07-26. Review status: criteria provided, single submitter. Criteria: Invitae Variant Classification Sherloc (09022015). Collection method: clinical testing. Allele origin: germline.
Comment: This sequence change replaces glycine, which is neutral and non-polar, with serine, which is neutral and polar, at codon 2506 of the FLNC protein (p.Gly2506Ser). This variant is not present in population databases (gnomAD no frequency). In summary, the available evidence is currently insufficient to determine the role of this variant in disease. Therefore, it has been classified as a Variant of Uncertain Significance. Algorithms developed to predict the effect of missense changes on protein structure and function are either unavailable or do not agree on the potential impact of this missense change (SIFT: "Tolerated"; PolyPhen-2: "Probably Damaging"; Align-GVGD: "Class C0"). ClinVar contains an entry for this variant (Variation ID: 936011). This variant has not been reported in the literature in individuals affected with FLNC-related conditions.

NM_001458.5(FLNC):c.7516G>A (p.Gly2506Ser)

Genes: FLNC (filamin C; plus strand), FLNC-AS1 (FLNC antisense RNA 1; minus strand). Cytogenetic location: 7q32.1.
Variant type: single nucleotide variant.
Coding change: c.7516G>A on transcript NM_001458.5 (MANE Select); coding-DNA position 7516, G replaced by A.
Protein change: p.Gly2506Ser; replaces glycine 2506 with serine.
Molecular consequence: missense variant.
Genome position (GRCh38, 1-based): chr7:128,856,876, G>A. VCF-style: chr7-128856876-G-A. GRCh37 (hg19) VCF-style: chr7-128496930-G-A.
Other names: c.7417G>A, p.Gly2473Ser (NM_001127487.2); short protein forms G2473S, G2506S.
Identifiers: ClinVar variation 936011 (VCV000936011.11), dbSNP rs1809085479, ClinGen allele CA369218770.